The following is an entry in ClinVar:

ClinVar aggregate classification (germline): Uncertain significance. Review status: criteria provided, multiple submitters, no conflicts (2 of 4 stars). 2 submissions from 2 submitters: Uncertain significance (2). Last evaluated 2024-03-31.

Conditions:
Inborn genetic diseases. Identifiers: MedGen C0950123, MeSH D030342.

Allele frequency attached by ClinVar (database versions not stated): gnomAD 0.00001; TOPMed 0.00001; ExAC 0.00002; gnomAD exomes 0.00002.
gnomAD v4.1: 27 of 1,614,014 alleles (0.0017%); highest among the groups gnomAD compares: Non-Finnish European, 0.0022%; no homozygotes.

Submissions (2):

Ambry Genetics
Classification: Uncertain significance for Inborn genetic diseases. Last evaluated: 2024-03-31. Review status: criteria provided, single submitter. Criteria: Ambry Variant Classification Scheme 2023. Collection method: clinical testing. Allele origin: germline.

Labcorp Genetics (formerly Invitae), Labcorp
Classification: Uncertain significance. Last evaluated: 2022-06-14. Review status: criteria provided, single submitter. Criteria: Invitae Variant Classification Sherloc (09022015). Collection method: clinical testing. Allele origin: germline.
Comment: This sequence change replaces valine, which is neutral and non-polar, with methionine, which is neutral and non-polar, at codon 1183 of the RBP3 protein (p.Val1183Met). This variant is present in population databases (rs782447533, gnomAD 0.004%). This variant has not been reported in the literature in individuals affected with RBP3-related conditions. Algorithms developed to predict the effect of missense changes on protein structure and function are either unavailable or do not agree on the potential impact of this missense change (SIFT: "Deleterious"; PolyPhen-2: "Possibly Damaging"; Align-GVGD: "Class C15"). In summary, the available evidence is currently insufficient to determine the role of this variant in disease. Therefore, it has been classified as a Variant of Uncertain Significance.

NM_002900.3(RBP3):c.3547G>A (p.Val1183Met)

Gene: RBP3 (retinol binding protein 3; plus strand). Cytogenetic location: 10q11.22.
Variant type: single nucleotide variant.
Coding change: c.3547G>A on transcript NM_002900.3 (MANE Select); coding-DNA position 3547, G replaced by A.
Protein change: p.Val1183Met; replaces valine 1183 with methionine.
Molecular consequence: missense variant.
Genome position (GRCh38, 1-based): chr10:47,357,260, G>A. VCF-style: chr10-47357260-G-A. GRCh37 (hg19) VCF-style: chr10-48382102-C-T.
Other names: c.3547G>A (NM_002900.2); short protein forms V1183M.
Identifiers: ClinVar variation 1915176 (VCV001915176.3), dbSNP rs782447533, ClinGen allele CA5487016.